The following is an entry in ClinVar:

ClinVar aggregate classification (germline): Pathogenic (1 of 4 stars; one submission).

Conditions:
Charcot-Marie-Tooth disease type 2B (CMT2B). Also called: Charcot-Marie-Tooth Neuropathy Type 2B; CHARCOT-MARIE-TOOTH DISEASE, AUTOSOMAL DOMINANT, TYPE 2B; HEREDITARY MOTOR AND SENSORY NEUROPATHY IIB; CHARCOT-MARIE-TOOTH DISEASE, AXONAL, TYPE 2B. Identifiers: Orphanet 99936, MedGen C1833219, MONDO:0010949, OMIM 600882.

Submission:

Labcorp Genetics (formerly Invitae), Labcorp
Classification: Pathogenic for Charcot-Marie-Tooth disease type 2B. Last evaluated: 2019-01-20. Review status: criteria provided, single submitter. Criteria: Invitae Variant Classification Sherloc (09022015). Collection method: clinical testing. Allele origin: germline.
Comment: This variant has not been reported in the literature in individuals with RAB7A-related conditions. This missense change has been reported to affect RAB7A protein function (PMID: 18501189, 21151572, 23179371, 23188822, 23458836, 24344282). A different variant (c.471G>C) giving rise to the same protein effect observed here (p.Lys157Asn) has been determined to be pathogenic (PMID: 17060578). This suggests that this variant is also likely to be causative of disease. For these reasons, this variant has been classified as Pathogenic. This variant is not present in population databases (ExAC no frequency). This sequence change replaces lysine with asparagine at codon 157 of the RAB7A protein (p.Lys157Asn). The lysine residue is highly conserved and there is a moderate physicochemical difference between lysine and asparagine.

Literature cited by the submitters: PubMed 18501189; PubMed 21151572; PubMed 23179371; PubMed 23188822; PubMed 23458836; PubMed 24344282; PubMed 17060578.

NM_004637.6(RAB7A):c.471G>T (p.Lys157Asn)

Gene: RAB7A (RAB7A, member RAS oncogene family; plus strand). Cytogenetic location: 3q21.3.
Variant type: single nucleotide variant.
Coding change: c.471G>T on transcript NM_004637.6 (MANE Select); coding-DNA position 471, G replaced by T.
Protein change: p.Lys157Asn; replaces lysine 157 with asparagine.
Molecular consequence: missense variant.
Genome position (GRCh38, 1-based): chr3:128,807,614, G>T. VCF-style: chr3-128807614-G-T. GRCh37 (hg19) VCF-style: chr3-128526457-G-T.
Other names: short protein forms K157N.
Identifiers: ClinVar variation 846631 (VCV000846631.9), dbSNP rs121909081, ClinGen allele CA354709460.